The following is an entry in ClinVar:

ClinVar aggregate classification (germline): Uncertain significance (1 of 4 stars; one submission).

Conditions:
Baller-Gerold syndrome (BGS). Also called: CRANIOSYNOSTOSIS WITH RADIAL DEFECTS. Identifiers: Orphanet 1225, MedGen C0265308, MONDO:0009039, OMIM 218600.

gnomAD v4.1: 2 of 1,610,712 alleles (0.00012%); highest among the groups gnomAD compares: Non-Finnish European, 0.000085%; no homozygotes.

Submission:

Labcorp Genetics (formerly Invitae), Labcorp
Classification: Uncertain significance for Baller-Gerold syndrome. Last evaluated: 2024-12-16. Review status: criteria provided, single submitter. Criteria: Invitae Variant Classification Sherloc (09022015). Collection method: clinical testing. Allele origin: germline.
Comment: This sequence change replaces arginine, which is basic and polar, with glycine, which is neutral and non-polar, at codon 1106 of the RECQL4 protein (p.Arg1106Gly). This variant is present in population databases (no rsID available, gnomAD 0.0009%). This variant has not been reported in the literature in individuals affected with RECQL4-related conditions. ClinVar contains an entry for this variant (Variation ID: 1476890). Invitae Evidence Modeling of protein sequence and biophysical properties (such as structural, functional, and spatial information, amino acid conservation, physicochemical variation, residue mobility, and thermodynamic stability) indicates that this missense variant is not expected to disrupt RECQL4 protein function with a negative predictive value of 80%. In summary, the available evidence is currently insufficient to determine the role of this variant in disease. Therefore, it has been classified as a Variant of Uncertain Significance.

NM_004260.4(RECQL4):c.3316C>G (p.Arg1106Gly)

Gene: RECQL4 (RecQ like helicase 4; minus strand). Cytogenetic location: 8q24.3.
Variant type: single nucleotide variant.
Coding change: c.3316C>G on transcript NM_004260.4 (MANE Select); coding-DNA position 3316, C replaced by G.
Protein change: p.Arg1106Gly; replaces arginine 1106 with glycine.
Molecular consequence: missense variant.
Genome position (GRCh38, 1-based): chr8:144,511,988, G>C on the plus strand (C>G on the coding strand, the complement: RECQL4 is on the minus strand). VCF-style: chr8-144511988-G-C. GRCh37 (hg19) VCF-style: chr8-145737371-G-C.
Other names: short protein forms R1106G.
Identifiers: ClinVar variation 1476890 (VCV001476890.6), dbSNP rs770193726, ClinGen allele CA372668753.